The following is an entry in ClinVar:

ClinVar aggregate classification (germline): Pathogenic (1 of 4 stars; one submission).

Conditions:
Inborn genetic diseases. Identifiers: MedGen C0950123, MeSH D030342.

Submission:

Ambry Genetics
Classification: Pathogenic for Inborn genetic diseases. Last evaluated: 2024-12-24. Review status: criteria provided, single submitter. Criteria: Ambry Variant Classification Scheme 2023. Collection method: clinical testing. Allele origin: germline.
Comment: The c.6919_6947dupGGCAGCGGCGGCGGCGGGGCCCCCAGTGG (p.G2317Afs*106) alteration, located in exon 48 (coding exon 48) of the TRIO gene, consists of a duplication of GGCAGCGGCGGCGGCGGGGCCCCCAGTGG at position 6919, causing a translational frameshift with a predicted alternate stop codon after 106 amino acids. This alteration is expected to result in loss of function by premature protein truncation or nonsense-mediated mRNA decay. for TRIO-related neurodevelopmental disorder with microcephaly; however, it is unlikely to be causative of TRIO-related neurodevelopmental disorder with macrocephaly. Loss of function variants in TIRO are known to cause TRIO-related neurodevelopmental disorder with microcephaly; however, such associations with TRIO-related neurodevelopmental disorder with macrocephaly are exceedingly rare (Barbosa, 2020). This variant was not reported in population-based cohorts in the Genome Aggregation Database (gnomAD). Based on the available evidence, this alteration is classified as pathogenic.

Literature cited by the submitters: PubMed 32109419.

NM_007118.4(TRIO):c.6919_6947dup (p.Gly2317fs)

Gene: TRIO (trio Rho guanine nucleotide exchange factor; plus strand). Cytogenetic location: 5p15.2.
Variant type: Duplication.
Coding change: c.6919_6947dup on transcript NM_007118.4 (MANE Select); coding-DNA positions 6919 to 6947, 29 bases duplicated (GGCAGCGGCGGCGGCGGGGCCCCCAGTGG).
Protein change: p.Gly2317fs; shifts the reading frame from glycine 2317.
Molecular consequence: frameshift variant. On other transcripts: non-coding transcript variant (1).
Genome position (GRCh38, 1-based): chr5:14,487,547-14,487,575, GGCAGCGGCGGCGGCGGGGCCCCCAGTGG duplicated; duplicating any 29 consecutive bases within chr5:14,487,545-14,487,575 gives the same sequence; the c. name uses the placement nearest the transcript's 3' end. VCF-style (leftmost placement, unchanged base first): chr5-14487544-G-GGGGGCAGCGGCGGCGGCGGGGCCCCCAGT. GRCh37 (hg19) VCF-style: chr5-14487653-G-GGGGGCAGCGGCGGCGGCGGGGCCCCCAGT.
Other names: short protein forms G2317fs.
Identifiers: ClinVar variation 3810729 (VCV003810729.1).